The following is an entry in ClinVar:

NM_014476.6(PDLIM3):c.266C>G (p.Ser89Cys)

Gene: PDLIM3 (PDZ and LIM domain 3; minus strand). Cytogenetic location: 4q35.1.
Variant type: single nucleotide variant.
Coding change: c.266C>G on transcript NM_014476.6 (MANE Select); coding-DNA position 266, C replaced by G.
Protein change: p.Ser89Cys; replaces serine 89 with cysteine.
Molecular consequence: missense variant. On other transcripts: non-coding transcript variant (1), intron variant (1).
Genome position (GRCh38, 1-based): chr4:185,523,426, G>C on the plus strand (C>G on the coding strand, the complement: PDLIM3 is on the minus strand). VCF-style: chr4-185523426-G-C. GRCh37 (hg19) VCF-style: chr4-186444580-G-C.
Other names: c.266C>G, p.Ser89Cys (NM_001114107.5, NM_001257962.2); c.94-9089C>G (NM_001257963.2); c.266C>G (NM_014476.4); short protein forms S89C.
Identifiers: ClinVar variation 2130995 (VCV002130995.5), dbSNP rs1178485427, ClinGen allele CA358927518.

ClinVar aggregate classification (germline): Uncertain significance. Review status: criteria provided, multiple submitters, no conflicts (2 of 4 stars). 2 submissions from 2 submitters: Uncertain significance (2). Last evaluated 2025-10-13.

Conditions:
Primary dilated cardiomyopathy (DCM). Also called: Dilated Cardiomyopathy. Identifiers: Orphanet 217604, MedGen C0007193, MeSH D002311, MONDO:0005021, HP:0001644. Inheritance: Various modes of inheritance.
Hypertrophic cardiomyopathy. Also called: HYPERTROPHIC MYOCARDIOPATHY. Identifiers: Orphanet 217569, MedGen C0007194, MeSH D002312, MONDO:0005045, HP:0001639.

Allele frequency attached by ClinVar (database versions not stated): gnomAD 0.00005; gnomAD exomes below 0.00001; TOPMed 0.00001.

Submissions (2):

Labcorp Genetics (formerly Invitae), Labcorp
Classification: Uncertain significance for Hypertrophic cardiomyopathy; Primary dilated cardiomyopathy. Last evaluated: 2025-10-13. Review status: criteria provided, single submitter. Criteria: Invitae Variant Classification Sherloc (09022015). Collection method: clinical testing. Allele origin: germline.
Comment: This sequence change replaces serine, which is neutral and polar, with cysteine, which is neutral and slightly polar, at codon 89 of the PDLIM3 protein (p.Ser89Cys). This variant is present in population databases (no rsID available, gnomAD 0.009%). This variant has not been reported in the literature in individuals affected with PDLIM3-related conditions. ClinVar contains an entry for this variant (Variation ID: 2130995). Invitae Evidence Modeling of protein sequence and biophysical properties (such as structural, functional, and spatial information, amino acid conservation, physicochemical variation, residue mobility, and thermodynamic stability) has been performed for this missense variant. However, the output from this modeling did not meet the statistical confidence thresholds required to predict the impact of this variant on PDLIM3 protein function. In summary, the available evidence is currently insufficient to determine the role of this variant in disease. Therefore, it has been classified as a Variant of Uncertain Significance.

Ambry Genetics
Classification: Uncertain significance. Last evaluated: 2024-01-30. Review status: criteria provided, single submitter. Criteria: Ambry Variant Classification Scheme 2023. Collection method: clinical testing. Allele origin: germline.